The following is an entry in ClinVar:

ClinVar aggregate classification (germline): Uncertain significance. Review status: criteria provided, multiple submitters, no conflicts (2 of 4 stars). 2 submissions from 2 submitters: Uncertain significance (2). Last evaluated 2025-12-17.

Conditions:
SLC22A4-related disorder. Also called: SLC22A4-related condition.

Allele frequency attached by ClinVar (database versions not stated): gnomAD exomes 0.00002; ExAC 0.00003; gnomAD 0.00003; TOPMed 0.00003.
gnomAD v4.1: 29 of 1,613,756 alleles (0.0018%); highest among the groups gnomAD compares: Admixed American, 0.012%; no homozygotes.

Submissions (2):

PreventionGenetics, part of Exact Sciences
Classification: Uncertain significance for SLC22A4-related condition. Last evaluated: 2025-12-17. Review status: criteria provided, single submitter. Criteria: ACMG Guidelines, 2015. Collection method: clinical testing. Allele origin: germline.
Comment: The SLC22A4 c.134C>T variant is predicted to result in the amino acid substitution p.Thr45Ile. To our knowledge, this variant has not been reported in the literature. This variant is reported in 0.015% of alleles in individuals of East Asian descent in gnomAD. At this time, the clinical significance of this variant is uncertain due to the absence of conclusive functional and genetic evidence.

Labcorp Genetics (formerly Invitae), Labcorp
Classification: Uncertain significance. Last evaluated: 2022-03-04. Review status: criteria provided, single submitter. Criteria: Invitae Variant Classification Sherloc (09022015). Collection method: clinical testing. Allele origin: germline.
Comment: This sequence change replaces threonine, which is neutral and polar, with isoleucine, which is neutral and non-polar, at codon 45 of the SLC22A4 protein (p.Thr45Ile). This variant is present in population databases (rs774216692, gnomAD 0.02%). This variant has not been reported in the literature in individuals affected with SLC22A4-related conditions. Algorithms developed to predict the effect of missense changes on protein structure and function output the following: SIFT: "Tolerated"; PolyPhen-2: "Benign"; Align-GVGD: "Class C0". The isoleucine amino acid residue is found in multiple mammalian species, which suggests that this missense change does not adversely affect protein function. In summary, the available evidence is currently insufficient to determine the role of this variant in disease. Therefore, it has been classified as a Variant of Uncertain Significance.

NM_003059.3(SLC22A4):c.134C>T (p.Thr45Ile)

Gene: SLC22A4 (solute carrier family 22 member 4; plus strand). Cytogenetic location: 5q31.1.
Variant type: single nucleotide variant.
Coding change: c.134C>T on transcript NM_003059.3 (MANE Select); coding-DNA position 134, C replaced by T.
Protein change: p.Thr45Ile; replaces threonine 45 with isoleucine.
Molecular consequence: missense variant.
Genome position (GRCh38, 1-based): chr5:132,294,750, C>T. VCF-style: chr5-132294750-C-T. GRCh37 (hg19) VCF-style: chr5-131630443-C-T.
Other names: c.134C>T (NM_003059.2); short protein forms T45I.
Identifiers: ClinVar variation 2181387 (VCV002181387.5), dbSNP rs774216692, ClinGen allele CA3403307.